The following is an entry in ClinVar:

NM_032043.3(BRIP1):c.1945G>T (p.Gly649Cys)

Gene: BRIP1 (BRCA1 interacting DNA helicase 1; minus strand). Cytogenetic location: 17q23.2.
Variant type: single nucleotide variant.
Coding change: c.1945G>T on transcript NM_032043.3 (MANE Select); coding-DNA position 1945, G replaced by T.
Protein change: p.Gly649Cys; replaces glycine 649 with cysteine.
Molecular consequence: missense variant.
Genome position (GRCh38, 1-based): chr17:61,776,553, C>A on the plus strand (G>T on the coding strand, the complement: BRIP1 is on the minus strand). VCF-style: chr17-61776553-C-A. GRCh37 (hg19) VCF-style: chr17-59853914-C-A.
Other names: short protein forms G649C.
Identifiers: ClinVar variation 1783120 (VCV001783120.2), dbSNP rs2145034108, ClinGen allele CA400478621.

ClinVar aggregate classification (germline): Uncertain significance (1 of 4 stars; one submission).

Conditions:
Hereditary cancer-predisposing syndrome. Also called: Neoplastic Syndromes, Hereditary; Tumor predisposition; Hereditary Cancer Syndrome; Hereditary neoplastic syndrome. Identifiers: Orphanet 140162, MedGen C0027672, MeSH D009386, MONDO:0015356.

Submission:

Ambry Genetics
Classification: Uncertain significance for Hereditary cancer-predisposing syndrome. Last evaluated: 2021-03-09. Review status: criteria provided, single submitter. Criteria: Ambry Variant Classification Scheme 2023. Collection method: clinical testing. Allele origin: germline.
Comment: The p.G649C variant (also known as c.1945G>T), located in coding exon 13 of the BRIP1 gene, results from a G to T substitution at nucleotide position 1945. The glycine at codon 649 is replaced by cysteine, an amino acid with highly dissimilar properties. This amino acid position is highly conserved in available vertebrate species. In addition, this alteration is predicted to be deleterious by in silico analysis. Since supporting evidence is limited at this time, the clinical significance of this alteration remains unclear.